The following continues an entry in ClinVar:

NM_001184880.2(PCDH19):c.1019A>G (p.Asn340Ser)

Gene: PCDH19. ClinVar aggregate classification (germline): Pathogenic. Pathogenic (12).

Submissions 12 to 14 of 14:

Ambry Genetics
Classification: Pathogenic for Inborn genetic diseases. Last evaluated: 2017-05-08. Review status: criteria provided, single submitter. Criteria: Ambry Variant Classification Scheme 2023. Collection method: clinical testing. Allele origin: germline.
Comment: The p.N340S pathogenic mutation (also known as c.1019A>G), located in coding exon 1 of the PCDH19 gene, results from an A to G substitution at nucleotide position 1019. The asparagine at codon 340 is replaced by serine, an amino acid with highly similar properties. This mutation has been detected as a de novo occurrence (parental testing was performed, but paternity was not confirmed) in four unrelated individuals with intellectual disability and delays as well as a variety of seizure types including: febrile, focal, generalized tonic-clonic, and partial. Three of these four individuals were initially diagnosed with Dravet syndrome (Depienne C, et al. PLoS Genet. 2009; 5(2):e1000381, Specchio N, et al. Epilepsia 2011; 52(7):1251-7, Marini C, et al. Neurology 2010; 75(7):646-53). In addition, two cases of somatic and gonadal mosaicism of this mutation have been observed. In addition, in vitro analysis of the N340S protein showed that the protein may be folded as well as wild type, but not as stable (Cooper SR et al. Elife, 2016 Oct 26;5. pii: e18529). Based on the supporting evidence, this alteration is interpreted as a disease-causing mutation.

Genome Diagnostics Laboratory, Amsterdam University Medical Center
Classification: Pathogenic. Review status: no assertion criteria provided. Collection method: clinical testing. Allele origin: germline. Affected: yes. Study: VKGL Data-share Consensus. Not counted in ClinVar's aggregate classification.

Genome Diagnostics Laboratory, University Medical Center Utrecht
Classification: Pathogenic. Review status: no assertion criteria provided. Collection method: clinical testing. Allele origin: germline. Affected: yes. Study: VKGL Data-share Consensus. Not counted in ClinVar's aggregate classification.

Literature cited by the submitters: PubMed 2267240 (cited by Labcorp Genetics (formerly Invitae), Labcorp); PubMed 19214208 (cited by 4 submitters); PubMed 20713952 (cited by 3 submitters); PubMed 21480887 (cited by 4 submitters); PubMed 22848613 (cited by 3 submitters); PubMed 22946748 (cited by 3 submitters); PubMed 23334464 (cited by Labcorp Genetics (formerly Invitae), Labcorp and Athena Diagnostics); PubMed 27527380 (cited by 3 submitters); PubMed 29377098 (cited by 3billion and Athena Diagnostics); PubMed 29064093 (cited by Athena Diagnostics); PubMed 30287595 (cited by Athena Diagnostics); PubMed 29301106 (cited by Athena Diagnostics); PubMed 31302675 (cited by Athena Diagnostics); PubMed 22949144 (cited by Athena Diagnostics and Ambry Genetics); PubMed 27787195 (cited by Athena Diagnostics and Ambry Genetics); PubMed 21519002 (cited by Athena Diagnostics and Ambry Genetics).